The following is an entry in ClinVar:

NM_000170.3(GLDC):c.2703G>C (p.Gly901=)

Gene: GLDC (glycine decarboxylase; minus strand). Cytogenetic location: 9p24.1.
Variant type: single nucleotide variant.
Coding change: c.2703G>C on transcript NM_000170.3 (MANE Select); coding-DNA position 2703, G replaced by C.
Protein change: p.Gly901=; no amino-acid change (glycine 901 retained).
Molecular consequence: synonymous variant.
Genome position (GRCh38, 1-based): chr9:6,536,199, C>G on the plus strand (G>C on the coding strand, the complement: GLDC is on the minus strand). VCF-style: chr9-6536199-C-G. GRCh37 (hg19) VCF-style: chr9-6536199-C-G.
Identifiers: ClinVar variation 738510 (VCV000738510.36), dbSNP rs369767254, ClinGen allele CA4980091.

ClinVar aggregate classification (germline): Likely benign. Review status: criteria provided, multiple submitters, no conflicts (2 of 4 stars). 3 submissions from 3 submitters: Likely benign (3). Last evaluated 2025-12-17.

Conditions:
Glycine encephalopathy. Also called: Nonketotic hyperglycinemia; Non-ketotic hyperglycinemia. Identifiers: Orphanet 407, MedGen C0751748, MONDO:0011612, HP:0008288.

Allele frequency attached by ClinVar (database versions not stated): ExAC 0.00001; TOPMed 0.00001; gnomAD exomes 0.00002; ESP Exome Variant Server 0.00008.
gnomAD v4.1: 30 of 1,613,970 alleles (0.0019%); highest among the groups gnomAD compares: Admixed American, 0.0033%; no homozygotes.

Submissions (3):

Labcorp Genetics (formerly Invitae), Labcorp
Classification: Likely benign for Glycine encephalopathy. Last evaluated: 2025-12-17. Review status: criteria provided, single submitter. Criteria: Invitae Variant Classification Sherloc (09022015). Collection method: clinical testing. Allele origin: germline.

Blueprint Genetics
Classification: Likely benign. Last evaluated: 2024-09-23. Review status: criteria provided, single submitter. Criteria: ACMG Guidelines, 2015. Collection method: clinical testing. Allele origin: germline.

CeGaT Center for Human Genetics Tuebingen
Classification: Likely benign. Last evaluated: 2022-04-01. Review status: criteria provided, single submitter. Criteria: CeGaT Center For Human Genetics Tuebingen Variant Classification Criteria Version 2. Collection method: clinical testing. Allele origin: germline. Affected: yes. Observed: 1 variant allele.
Comment: GLDC: BP4, BP7